The following is an entry in ClinVar:

ClinVar aggregate classification (germline): Benign/Likely benign. Review status: criteria provided, multiple submitters, no conflicts (2 of 4 stars). 3 submissions from 3 submitters: Benign (1); Likely benign (2). Last evaluated 2025-12-29.

Conditions:
Lynch syndrome 5 (LYNCH5). Also called: Colorectal cancer, hereditary nonpolyposis, type 5; Hereditary non-polyposis colorectal cancer, type 5. Identifiers: Orphanet 144, MedGen C1833477, MONDO:0013710, OMIM 614350. Disease mechanism: loss of function.
Hereditary cancer-predisposing syndrome. Also called: Neoplastic Syndromes, Hereditary; Tumor predisposition; Hereditary Cancer Syndrome; Hereditary neoplastic syndrome. Identifiers: Orphanet 140162, MedGen C0027672, MeSH D009386, MONDO:0015356.
Hereditary nonpolyposis colorectal neoplasms. Identifiers: MedGen C0009405, MeSH D003123.

Submissions (3):

Ambry Genetics
Classification: Likely benign for Hereditary cancer-predisposing syndrome. Last evaluated: 2025-12-29. Review status: criteria provided, single submitter. Criteria: Ambry Variant Classification Scheme 2023. Collection method: clinical testing. Allele origin: germline.

Myriad Genetics, Inc.
Classification: Benign for Lynch syndrome 5. Last evaluated: 2024-12-19. Review status: criteria provided, single submitter. Criteria: Myriad Autosomal Dominant, Autosomal Recessive and X-Linked Classification Criteria (2023). Collection method: clinical testing. Allele origin: unknown.
Comment: This variant is considered benign. This variant is a silent/synonymous amino acid change and it is not expected to impact splicing.

Labcorp Genetics (formerly Invitae), Labcorp
Classification: Likely benign for Hereditary nonpolyposis colorectal neoplasms. Last evaluated: 2022-03-19. Review status: criteria provided, single submitter. Criteria: Invitae Variant Classification Sherloc (09022015). Collection method: clinical testing. Allele origin: germline.

NM_000179.3(MSH6):c.555A>G (p.Lys185=)

Gene: MSH6 (mutS homolog 6; plus strand). Cytogenetic location: 2p16.3.
Variant type: single nucleotide variant.
Coding change: c.555A>G on transcript NM_000179.3 (MANE Select); coding-DNA position 555, A replaced by G.
Protein change: p.Lys185=; no amino-acid change (lysine 185 retained).
Molecular consequence: synonymous variant. On other transcripts: 5 prime UTR variant (1), intron variant (2).
Genome position (GRCh38, 1-based): chr2:47,795,991, A>G. VCF-style: chr2-47795991-A-G. GRCh37 (hg19) VCF-style: chr2-48023130-A-G.
Other names: c.-348A>G (NM_001281494.2); c.-279-2620A>G (NM_001281493.2); c.238-2620A>G (NM_001281492.2); c.555A>G (NM_000179.2).
Identifiers: ClinVar variation 1141503 (VCV001141503.11), dbSNP rs1558656651, ClinGen allele CA425992983.